The following is an entry in ClinVar:

ClinVar aggregate classification (germline): Uncertain significance (1 of 4 stars; one submission).

Conditions:
Microcephaly, normal intelligence and immunodeficiency (NBS). Also called: SEEMANOVA SYNDROME II; Ataxia telangiectasia variant V1; BERLIN BREAKAGE SYNDROME; Immunodeficiency, microcephaly with normal intelligence; Nijmegen breakage syndrome; Microcephaly with normal intelligence immunodeficiency and lymphoreticular malignancies. Identifiers: Orphanet 647, MedGen C0398791, MONDO:0009623, OMIM 251260.

Allele frequency attached by ClinVar (database versions not stated): gnomAD exomes below 0.00001.
gnomAD v4.1: 1 of 1,614,084 alleles (0.000062%); highest among the groups gnomAD compares: Non-Finnish European, 0.000085%; no homozygotes.

Submission:

Labcorp Genetics (formerly Invitae), Labcorp
Classification: Uncertain significance for Microcephaly, normal intelligence and immunodeficiency. Last evaluated: 2021-03-29. Review status: criteria provided, single submitter. Criteria: Invitae Variant Classification Sherloc (09022015). Collection method: clinical testing. Allele origin: germline.
Comment: In summary, the available evidence is currently insufficient to determine the role of this variant in disease. Therefore, it has been classified as a Variant of Uncertain Significance. Algorithms developed to predict the effect of missense changes on protein structure and function (SIFT, PolyPhen-2, Align-GVGD) all suggest that this variant is likely to be tolerated, but these predictions have not been confirmed by published functional studies and their clinical significance is uncertain. This variant has not been reported in the literature in individuals with NBN-related conditions. This variant is not present in population databases (ExAC no frequency). This sequence change replaces serine with proline at codon 369 of the NBN protein (p.Ser369Pro). The serine residue is moderately conserved and there is a moderate physicochemical difference between serine and proline.

NM_002485.5(NBN):c.1105T>C (p.Ser369Pro)

Gene: NBN (nibrin; minus strand). Cytogenetic location: 8q21.3.
Variant type: single nucleotide variant.
Coding change: c.1105T>C on transcript NM_002485.5 (MANE Select); coding-DNA position 1105, T replaced by C.
Protein change: p.Ser369Pro; replaces serine 369 with proline.
Molecular consequence: missense variant.
Genome position (GRCh38, 1-based): chr8:89,958,744, A>G on the plus strand (T>C on the coding strand, the complement: NBN is on the minus strand). VCF-style: chr8-89958744-A-G. GRCh37 (hg19) VCF-style: chr8-90970972-A-G.
Other names: c.859T>C, p.Ser287Pro (NM_001024688.3); short protein forms S287P, S369P.
Identifiers: ClinVar variation 1521322 (VCV001521322.8), dbSNP rs2129744768, ClinGen allele CA371656600.